The following is an entry in ClinVar:

NM_001267550.2(TTN):c.48667A>C (p.Lys16223Gln)

Genes: TTN (titin; minus strand), TTN-AS1 (TTN antisense RNA 1; plus strand), LOC126806426 (BRD4-independent group 4 enhancer GRCh37_chr2:179478848-179480047; plus strand). Cytogenetic location: 2q31.2.
Variant type: single nucleotide variant.
Coding change: c.48667A>C on transcript NM_001267550.2 (MANE Select); coding-DNA position 48667, A replaced by C.
Protein change: p.Lys16223Gln; replaces lysine 16223 with glutamine.
Molecular consequence: missense variant.
Genome position (GRCh38, 1-based): chr2:178,614,940, T>G on the plus strand (A>C on the coding strand, the complement: TTN is on the minus strand). VCF-style: chr2-178614940-T-G. GRCh37 (hg19) VCF-style: chr2-179479667-T-G.
Other names: p.Lys13655Gln; c.43744A>C, p.Lys14582Gln (NM_001256850.1); c.21472A>C, p.Lys7158Gln (NM_003319.4); c.40963A>C, p.Lys13655Gln (NM_133378.4); c.21847A>C, p.Lys7283Gln (NM_133432.3); c.22048A>C, p.Lys7350Gln (NM_133437.4); short protein forms K13655Q, K14582Q, K16223Q, K7158Q, K7283Q, K7350Q.
Identifiers: ClinVar variation 3380885 (VCV003380885.1).

ClinVar aggregate classification (germline): Uncertain significance (1 of 4 stars; one submission).

Submission:

Mayo Clinic Laboratories, Mayo Clinic
Classification: Uncertain significance. Last evaluated: 2023-08-25. Review status: criteria provided, single submitter. Criteria: ACMG Guidelines, 2015. Collection method: clinical testing. Allele origin: germline. Observed: 1 variant allele.
Comment: BP4